The following is an entry in ClinVar:

ClinVar aggregate classification (germline): Uncertain significance (1 of 4 stars; one submission).

gnomAD v4.1: 1 of 1,614,110 alleles (0.000062%); highest among the groups gnomAD compares: African/African-American, 0.0013%; no homozygotes.

Submission:

Labcorp Genetics (formerly Invitae), Labcorp
Classification: Uncertain significance. Last evaluated: 2024-06-11. Review status: criteria provided, single submitter. Criteria: Invitae Variant Classification Sherloc (09022015). Collection method: clinical testing. Allele origin: germline.
Comment: This sequence change replaces arginine, which is basic and polar, with isoleucine, which is neutral and non-polar, at codon 222 of the COL10A1 protein (p.Arg222Ile). This variant is not present in population databases (gnomAD no frequency). This variant has not been reported in the literature in individuals affected with COL10A1-related conditions. Advanced modeling of protein sequence and biophysical properties (such as structural, functional, and spatial information, amino acid conservation, physicochemical variation, residue mobility, and thermodynamic stability) has been performed at Invitae for this missense variant, however the output from this modeling did not meet the statistical confidence thresholds required to predict the impact of this variant on COL10A1 protein function. In summary, the available evidence is currently insufficient to determine the role of this variant in disease. Therefore, it has been classified as a Variant of Uncertain Significance.

NM_000493.4(COL10A1):c.665G>T (p.Arg222Ile)

Genes: COL10A1 (collagen type X alpha 1 chain; minus strand), NT5DC1 (5'-nucleotidase domain containing 1; plus strand). Cytogenetic location: 6q22.1.
Variant type: single nucleotide variant.
Coding change: c.665G>T on transcript NM_000493.4 (MANE Select); coding-DNA position 665, G replaced by T.
Protein change: p.Arg222Ile; replaces arginine 222 with isoleucine.
Molecular consequence: missense variant. On other transcripts: intron variant (1).
Genome position (GRCh38, 1-based): chr6:116,121,451, C>A on the plus strand (G>T on the coding strand, the complement: COL10A1 is on the minus strand). VCF-style: chr6-116121451-C-A. GRCh37 (hg19) VCF-style: chr6-116442614-C-A.
Other names: c.665G>T, p.Arg222Ile (NM_001424106.1, NM_001424107.1); c.529+3506C>A (NM_152729.3); short protein forms R222I.
Identifiers: ClinVar variation 3702422 (VCV003702422.2).
Genomic context (GRCh38, chr6:116,121,451, plus strand): 5'-TCTCCCGGAAAACCTCTATCACCTTTGATGCCTGGCTGTCCTGGAACCCCATTTTCACCT[C>A]TTTTTCCCACTCCAGGAGGGCCAGATGGTCCTGTGGGACCCTGAGGGCCTGGAAGACCCC-3'
Protein context (NP_000484.2, residues 212-232): GPSGPPGVGK[Arg222Ile]GENGVPGQPG